The following is an entry in ClinVar:

ClinVar aggregate classification (germline): Uncertain significance (1 of 4 stars; one submission).

Conditions:
Familial adenomatous polyposis 1 (FAP1). Also called: FAMILIAL ADENOMATOUS POLYPOSIS 1, ATTENUATED; POLYPOSIS, ADENOMATOUS INTESTINAL. Identifiers: MedGen C2713442, MONDO:0021056, OMIM 175100. Disease mechanism: loss of function.

Submission:

Labcorp Genetics (formerly Invitae), Labcorp
Classification: Uncertain significance for Familial adenomatous polyposis 1. Last evaluated: 2025-08-13. Review status: criteria provided, single submitter. Criteria: Invitae Variant Classification Sherloc (09022015). Collection method: clinical testing. Allele origin: germline.
Comment: This sequence change replaces methionine, which is neutral and non-polar, with leucine, which is neutral and non-polar, at codon 1211 of the APC protein (p.Met1211Leu). This variant is not present in population databases (gnomAD no frequency). This variant has not been reported in the literature in individuals affected with APC-related conditions. Invitae Evidence Modeling of protein sequence and biophysical properties (such as structural, functional, and spatial information, amino acid conservation, physicochemical variation, residue mobility, and thermodynamic stability) indicates that this missense variant is not expected to disrupt APC protein function with a negative predictive value of 95%. In summary, the available evidence is currently insufficient to determine the role of this variant in disease. Therefore, it has been classified as a Variant of Uncertain Significance.

NM_000038.6(APC):c.3631A>C (p.Met1211Leu)

Gene: APC (APC regulator of Wnt signaling pathway; plus strand). Cytogenetic location: 5q22.2.
Variant type: single nucleotide variant.
Coding change: c.3631A>C on transcript NM_000038.6 (MANE Select); coding-DNA position 3631, A replaced by C.
Protein change: p.Met1211Leu; replaces methionine 1211 with leucine.
Molecular consequence: missense variant. On other transcripts: non-coding transcript variant (2).
Genome position (GRCh38, 1-based): chr5:112,839,225, A>C. VCF-style: chr5-112839225-A-C. GRCh37 (hg19) VCF-style: chr5-112174922-A-C.
Other names: c.3631A>C, p.Met1211Leu (NM_001127510.3, NM_001354895.2, NM_001407450.1); c.3577A>C, p.Met1193Leu (NM_001127511.3); c.3685A>C, p.Met1229Leu (NM_001354896.2, NM_001407447.1, NM_001407448.1 and 1 more transcripts); c.3661A>C, p.Met1221Leu (NM_001354897.2); c.3556A>C, p.Met1186Leu (NM_001354898.2); c.3547A>C, p.Met1183Leu (NM_001354899.2); c.3508A>C, p.Met1170Leu (NM_001354900.2); c.3454A>C, p.Met1152Leu (NM_001354901.2, NM_001407453.1); and 11 more; short protein forms M1051L, M1082L, M1085L, M1110L, M1120L, M1128L, M1152L, M1170L.
Identifiers: ClinVar variation 4801472 (VCV004801472.1).